The following is an entry in ClinVar:

ClinVar aggregate classification (germline): Uncertain significance (1 of 4 stars; one submission).

Conditions:
Malignant hyperthermia, susceptibility to, 1 (MHS1). Also called: Anesthesia related hyperthermia; Malignant hyperpyrexia; Fulminating hyperpyrexia; Pharmacogenic myopathy; RYR1-Related Malignant Hyperthermia Susceptibility; Malignant hyperthermia suceptibility 1. Identifiers: Orphanet 423, MedGen C2930980, MONDO:0007783, OMIM 145600.

Submission:

All of Us Research Program, National Institutes of Health
Classification: Uncertain significance for Malignant hyperthermia, susceptibility to, 1. Last evaluated: 2023-11-20. Review status: criteria provided, single submitter. Criteria: ACMG Guidelines, 2015. Collection method: clinical testing. Allele origin: germline. Inheritance: Autosomal dominant inheritance. Observed: 1 variant allele, 1 heterozygote.
Comment: This missense variant replaces lysine with methionine at codon 2642 of the RYR1 protein. Computational prediction suggests that this variant may have deleterious impact on protein structure and function (internally defined REVEL score threshold >= 0.7, PMID: 27666373). To our knowledge, functional studies have not been reported for this variant. This variant has not been reported in individuals affected with RYR1-related disorders in the literature. This variant has not been identified in the general population by the Genome Aggregation Database (gnomAD). The available evidence is insufficient to determine the role of this variant in disease conclusively. Therefore, this variant is classified as a Variant of Uncertain Significance.

This study involves interpretation of variants in research participants for the purpose of population health screening. Participant phenotype was not available at the time of variant classification. Additional details can be found in publication PMID: 35346344, PMCID: PMC8962531

NM_000540.3(RYR1):c.7925A>T (p.Lys2642Met)

Gene: RYR1 (ryanodine receptor 1; plus strand). Cytogenetic location: 19q13.2.
Variant type: single nucleotide variant.
Coding change: c.7925A>T on transcript NM_000540.3 (MANE Select); coding-DNA position 7925, A replaced by T.
Protein change: p.Lys2642Met; replaces lysine 2642 with methionine.
Molecular consequence: missense variant.
Genome position (GRCh38, 1-based): chr19:38,502,969, A>T. VCF-style: chr19-38502969-A-T. GRCh37 (hg19) VCF-style: chr19-38993609-A-T.
Other names: c.7925A>T, p.Lys2642Met (NM_001042723.2); short protein forms K2642M.
Identifiers: ClinVar variation 3074541 (VCV003074541.1), dbSNP rs748696547, ClinGen allele CA405674309.